The following is an entry in ClinVar:

NM_018255.4(ELP2):c.1434A>G (p.Thr478=)

Gene: ELP2 (elongator acetyltransferase complex subunit 2; plus strand). Cytogenetic location: 18q12.2.
Variant type: single nucleotide variant.
Coding change: c.1434A>G on transcript NM_018255.4 (MANE Select); coding-DNA position 1434, A replaced by G.
Protein change: p.Thr478=; no amino-acid change (threonine 478 retained).
Molecular consequence: synonymous variant. On other transcripts: non-coding transcript variant (4).
Genome position (GRCh38, 1-based): chr18:36,156,624, A>G. VCF-style: chr18-36156624-A-G. GRCh37 (hg19) VCF-style: chr18-33736587-A-G.
Other names: c.1629A>G, p.Thr543= (NM_001242875.3); c.1419A>G, p.Thr473= (NM_001242876.3); c.1356A>G, p.Thr452= (NM_001242877.3); c.1224A>G, p.Thr408= (NM_001242878.3, NM_001242879.3); c.1302A>G, p.Thr434= (NM_001324465.2); c.1551A>G, p.Thr517= (NM_001324466.2); c.1284A>G, p.Thr428= (NM_001324467.2); c.987A>G, p.Thr329= (NM_001324468.2).
Identifiers: ClinVar variation 2648674 (VCV002648674.24), dbSNP rs2090583896, ClinGen allele CA503642307.

ClinVar aggregate classification (germline): Likely benign (1 of 4 stars; one submission).

Allele frequency attached by ClinVar (database versions not stated): TOPMed below 0.00001.

Submission:

CeGaT Center for Human Genetics Tuebingen
Classification: Likely benign. Last evaluated: 2022-11-01. Review status: criteria provided, single submitter. Criteria: CeGaT Center For Human Genetics Tuebingen Variant Classification Criteria Version 2. Collection method: clinical testing. Allele origin: germline. Affected: yes. Observed: 1 variant allele.
Comment: ELP2: PM2:Supporting, BP4, BP7